The following is an entry in ClinVar:

NM_005530.3(IDH3A):c.90+1G>A

Gene: IDH3A (isocitrate dehydrogenase (NAD(+)) 3 catalytic subunit alpha; plus strand). Cytogenetic location: 15q25.1.
Variant type: single nucleotide variant.
Coding change: c.90+1G>A on transcript NM_005530.3 (MANE Select); the canonical splice donor site of the intron after coding-DNA position 90, G replaced by A.
Molecular consequence: splice donor variant.
Genome position (GRCh38, 1-based): chr15:78,155,276, G>A. VCF-style: chr15-78155276-G-A. GRCh37 (hg19) VCF-style: chr15-78447618-G-A.
Identifiers: ClinVar variation 2836505 (VCV002836505.4), dbSNP rs767257701, ClinGen allele CA7680461.
Genomic context (GRCh38, chr15:78,155,276, plus strand): 5'-TCTCGGCTGCTGGGGGCATTCCACAACCCAAAACAGGTGACCAGAGGTTTTACTGGTGGT[G>A]TGAGTATAATTATGTCTTTTATTTTTTCCTTTTAGAAGTTTCTCAAGAAAGATGCTCTAA-3'

ClinVar aggregate classification (germline): Likely pathogenic (1 of 4 stars; one submission).

Allele frequency attached by ClinVar (database versions not stated): ExAC 0.00001; gnomAD 0.00001.
gnomAD v4.1: 1 of 1,606,982 alleles (0.000062%); highest among the groups gnomAD compares: Non-Finnish European, 0.000085%; no homozygotes.

Submissions (2):

Labcorp Genetics (formerly Invitae), Labcorp
Classification: Likely pathogenic. Last evaluated: 2023-02-11. Review status: criteria provided, single submitter. Criteria: Invitae Variant Classification Sherloc (09022015). Collection method: clinical testing. Allele origin: germline.
Comment: This sequence change affects a donor splice site in intron 2 of the IDH3A gene. It is expected to disrupt RNA splicing. Variants that disrupt the donor or acceptor splice site typically lead to a loss of protein function (PMID: 16199547), and loss-of-function variants in IDH3A are known to be pathogenic (PMID: 28412069). This variant is present in population databases (rs767257701, gnomAD 0.0009%). This variant has not been reported in the literature in individuals affected with IDH3A-related conditions. Algorithms developed to predict the effect of sequence changes on RNA splicing suggest that this variant may disrupt the consensus splice site. In summary, the currently available evidence indicates that the variant is pathogenic, but additional data are needed to prove that conclusively. Therefore, this variant has been classified as Likely Pathogenic.

Dr. Peter K. Rogan Lab, Western University
No classification provided (evidence only). Condition: Ovarian serous cystadenocarcinoma. Review status: no classification provided. Collection method: in vitro. Allele origin: not applicable. Functional consequence: retained intron. Not counted in ClinVar's aggregate classification.

Literature cited by the submitters: PubMed 16199547 (cited by Labcorp Genetics (formerly Invitae), Labcorp); PubMed 28412069 (cited by Labcorp Genetics (formerly Invitae), Labcorp).